The following is an entry in ClinVar:

NM_025132.4(WDR19):c.2381C>G (p.Ala794Gly)

Gene: WDR19 (WD repeat domain 19; plus strand). Cytogenetic location: 4p14.
Variant type: single nucleotide variant.
Coding change: c.2381C>G on transcript NM_025132.4 (MANE Select); coding-DNA position 2381, C replaced by G.
Protein change: p.Ala794Gly; replaces alanine 794 with glycine.
Molecular consequence: missense variant.
Genome position (GRCh38, 1-based): chr4:39,240,294, C>G. VCF-style: chr4-39240294-C-G. GRCh37 (hg19) VCF-style: chr4-39241914-C-G.
Other names: c.1901C>G, p.Ala634Gly (NM_001317924.2); short protein forms A634G, A794G.
Identifiers: ClinVar variation 2125065 (VCV002125065.4), dbSNP rs2475244464, ClinGen allele CA356636799.

ClinVar aggregate classification (germline): Uncertain significance (1 of 4 stars; one submission).

Conditions:
Asphyxiating thoracic dystrophy 5 (SRTD5). Also called: SHORT-RIB THORACIC DYSPLASIA 5 WITH OR WITHOUT POLYDACTYLY; SHORT-RIB THORACIC DYSPLASIA 5 WITHOUT POLYDACTYLY. Identifiers: Orphanet 474, MedGen C3280598, MONDO:0013717, OMIM 614376.
Senior-Loken syndrome 8 (SLSN8). Identifiers: Orphanet 3156, MedGen C4225376, MONDO:0014579, OMIM 616307.

Submission:

Labcorp Genetics (formerly Invitae), Labcorp
Classification: Uncertain significance for Senior-Loken syndrome 8; Asphyxiating thoracic dystrophy 5. Last evaluated: 2022-04-12. Review status: criteria provided, single submitter. Criteria: Invitae Variant Classification Sherloc (09022015). Collection method: clinical testing. Allele origin: germline.
Comment: This variant is not present in population databases (gnomAD no frequency). In summary, the available evidence is currently insufficient to determine the role of this variant in disease. Therefore, it has been classified as a Variant of Uncertain Significance. Algorithms developed to predict the effect of missense changes on protein structure and function are either unavailable or do not agree on the potential impact of this missense change (SIFT: "Deleterious"; PolyPhen-2: "Possibly Damaging"; Align-GVGD: "Class C0"). This variant has not been reported in the literature in individuals affected with WDR19-related conditions. This sequence change replaces alanine, which is neutral and non-polar, with glycine, which is neutral and non-polar, at codon 794 of the WDR19 protein (p.Ala794Gly).